The following is an entry in ClinVar:

ClinVar aggregate classification (germline): Uncertain significance. Review status: criteria provided, multiple submitters, no conflicts (2 of 4 stars). 2 submissions from 2 submitters: Uncertain significance (2). Last evaluated 2024-01-24.

Submissions (2):

Ambry Genetics
Classification: Uncertain significance. Last evaluated: 2024-01-24. Review status: criteria provided, single submitter. Criteria: Ambry Variant Classification Scheme 2023. Collection method: clinical testing. Allele origin: germline.

Labcorp Genetics (formerly Invitae), Labcorp
Classification: Uncertain significance. Last evaluated: 2021-12-24. Review status: criteria provided, single submitter. Criteria: Invitae Variant Classification Sherloc (09022015). Collection method: clinical testing. Allele origin: germline.
Comment: This sequence change replaces glutamic acid, which is acidic and polar, with aspartic acid, which is acidic and polar, at codon 134 of the ATOH7 protein (p.Glu134Asp). This variant is not present in population databases (gnomAD no frequency). This variant has not been reported in the literature in individuals affected with ATOH7-related conditions. Algorithms developed to predict the effect of missense changes on protein structure and function output the following: SIFT: "Tolerated"; PolyPhen-2: "Benign"; Align-GVGD: "Class C0". The aspartic acid amino acid residue is found in multiple mammalian species, which suggests that this missense change does not adversely affect protein function. In summary, the available evidence is currently insufficient to determine the role of this variant in disease. Therefore, it has been classified as a Variant of Uncertain Significance.

NM_145178.4(ATOH7):c.402G>T (p.Glu134Asp)

Gene: ATOH7 (atonal bHLH transcription factor 7; minus strand). Cytogenetic location: 10q21.3.
Variant type: single nucleotide variant.
Coding change: c.402G>T on transcript NM_145178.4 (MANE Select); coding-DNA position 402, G replaced by T.
Protein change: p.Glu134Asp; replaces glutamic acid 134 with aspartic acid.
Molecular consequence: missense variant.
Genome position (GRCh38, 1-based): chr10:68,231,276, C>A on the plus strand (G>T on the coding strand, the complement: ATOH7 is on the minus strand). VCF-style: chr10-68231276-C-A. GRCh37 (hg19) VCF-style: chr10-69991033-C-A.
Other names: c.402G>T (NM_145178.2); short protein forms E134D.
Identifiers: ClinVar variation 2002070 (VCV002002070.5), dbSNP rs762047633, ClinGen allele CA376835102.